The following is an entry in ClinVar:

NM_003238.6(TGFB2):c.266G>C (p.Cys89Ser)

Gene: TGFB2 (transforming growth factor beta 2; plus strand). Cytogenetic location: 1q41.
Variant type: single nucleotide variant.
Coding change: c.266G>C on transcript NM_003238.6 (MANE Select); coding-DNA position 266, G replaced by C.
Protein change: p.Cys89Ser; replaces cysteine 89 with serine.
Molecular consequence: missense variant. On other transcripts: non-coding transcript variant (2).
Genome position (GRCh38, 1-based): chr1:218,346,967, G>C. VCF-style: chr1-218346967-G-C. GRCh37 (hg19) VCF-style: chr1-218520309-G-C.
Other names: c.266G>C, p.Cys89Ser (NM_001135599.4); short protein forms C89S.
Identifiers: ClinVar variation 4811590 (VCV004811590.1).
Genomic context (GRCh38, chr1:218,346,967, plus strand): 5'-CCATCTACAACAGCACCAGGGACTTGCTCCAGGAGAAGGCGAGCCGGAGGGCGGCCGCCT[G>C]CGAGCGCGAGAGGAGCGACGAAGAGTACTACGCCAAGGAGGTTTACAAAATAGACATGCC-3'
Protein context (NP_003229.1, residues 79-99): QEKASRRAAA[Cys89Ser]ERERSDEEYY

ClinVar aggregate classification (germline): Uncertain significance (1 of 4 stars; one submission).

Conditions:
Loeys-Dietz syndrome 4 (LDS4). Also called: ANEURYSM, AORTIC AND CEREBRAL, WITH ARTERIAL TORTUOSITY AND SKELETAL MANIFESTATIONS; TGFB2-Related Loeys-Dietz Syndrome. Identifiers: MedGen C3553762, MONDO:0013897, OMIM 614816.

gnomAD v4.1: 4 of 1,613,912 alleles (0.00025%); highest among the groups gnomAD compares: Non-Finnish European, 0.00034%; no homozygotes.

Submission:

Labcorp Genetics (formerly Invitae), Labcorp
Classification: Uncertain significance for Loeys-Dietz syndrome 4. Last evaluated: 2025-07-20. Review status: criteria provided, single submitter. Criteria: Invitae Variant Classification Sherloc (09022015). Collection method: clinical testing. Allele origin: germline.
Comment: This sequence change replaces cysteine, which is neutral and slightly polar, with serine, which is neutral and polar, at codon 89 of the TGFB2 protein (p.Cys89Ser). This variant is not present in population databases (gnomAD no frequency). This variant has not been reported in the literature in individuals affected with TGFB2-related conditions. Invitae Evidence Modeling of protein sequence and biophysical properties (such as structural, functional, and spatial information, amino acid conservation, physicochemical variation, residue mobility, and thermodynamic stability) indicates that this missense variant is not expected to disrupt TGFB2 protein function with a negative predictive value of 95%. In summary, the available evidence is currently insufficient to determine the role of this variant in disease. Therefore, it has been classified as a Variant of Uncertain Significance.